The following is an entry in ClinVar:

ClinVar aggregate classification (germline): Pathogenic (1 of 4 stars; one submission).

Conditions:
Fabry disease. Also called: ALPHA-GALACTOSIDASE A DEFICIENCY; ANDERSON-FABRY DISEASE; CERAMIDE TRIHEXOSIDASE DEFICIENCY; GLA DEFICIENCY; HEREDITARY DYSTOPIC LIPIDOSIS; Angiokeratoma corporis diffusum. Identifiers: Orphanet 324, MedGen C0002986, MONDO:0010526, OMIM 301500, HP:0001071. Disease mechanism: Fabry disease is due to inactivating mutations in the X-linked GLA gene resulting in deficiency of the enzyme Alpha Galactosidase-A., loss of function.

Submission:

Genomenon, Inc
Classification: Pathogenic for Fabry disease. Last evaluated: 2026-09-08. Review status: criteria provided, single submitter. Criteria: Genomenon Sequence Variant Interpretation Standards - Updated. Collection method: curation. Allele origin: germline. Affected: yes.
Comment: GLA p.Glu358AspfsTer16 (c.1074_1075del) is a frameshift variant that is predicted to introduce a premature termination codon and result in a truncated or absent protein product. This variant has been observed in at least one proband with clinical features consistent with Fabry disease (PMID:9100224;17206462;23566439;17224688). Functional or patient cell studies have been reported (PMID:18424138). It is absent or not present at a significant frequency in gnomAD. In conclusion, we classify GLA p.Glu358AspfsTer16 (c.1074_1075del) as a pathogenic variant.

Literature cited by the submitters: PubMed 9100224; PubMed 17206462; PubMed 23566439; PubMed 17224688; PubMed 18424138.

NM_000169.3(GLA):c.1074_1075del (p.Glu358fs)

Genes: GLA (galactosidase alpha; minus strand), RPL36A-HNRNPH2 (RPL36A-HNRNPH2 readthrough; plus strand). Cytogenetic location: Xq22.1.
Variant type: Microsatellite.
Coding change: c.1074_1075del on transcript NM_000169.3 (MANE Select); coding-DNA positions 1074 to 1075, 2 bases deleted (GA; older notation c.1074_1075delGA).
Protein change: p.Glu358fs; shifts the reading frame from glutamic acid 358.
Molecular consequence: frameshift variant. On other transcripts: non-coding transcript variant (3), intron variant (2).
Genome position (GRCh38, 1-based): chrX:101,398,024-101,398,025, TC deleted on the plus strand (GA on the coding strand, the reverse complement: GLA is on the minus strand); deleting any 2 consecutive bases within chrX:101,398,024-101,398,027 gives the same sequence; the c. name uses the placement nearest the transcript's 3' end. VCF-style (leftmost placement, unchanged base first): chrX-101398023-ATC-A. GRCh37 (hg19) VCF-style: chrX-100653011-ATC-A.
Other names: c.1197_1198del, p.Glu399fs (NM_001406747.1); c.300+2569_300+2570del (NM_001199973.2); c.177+6204_177+6205del (NM_001199974.2); short protein forms E358fs, E399fs.
Identifiers: ClinVar variation 4087050 (VCV004087050.2).